The following is an entry in ClinVar:

ClinVar aggregate classification (germline): Pathogenic (1 of 4 stars; one submission).

Submission:

Labcorp Genetics (formerly Invitae), Labcorp
Classification: Pathogenic. Last evaluated: 2023-07-21. Review status: criteria provided, single submitter. Criteria: Invitae Variant Classification Sherloc (09022015). Collection method: clinical testing. Allele origin: germline.
Comment: For these reasons, this variant has been classified as Pathogenic. ClinVar contains an entry for this variant (Variation ID: 2123806). This variant has not been reported in the literature in individuals affected with EXOSC9-related conditions. This variant is not present in population databases (gnomAD no frequency). This sequence change creates a premature translational stop signal (p.Thr401Profs*6) in the EXOSC9 gene. It is expected to result in an absent or disrupted protein product. Loss-of-function variants in EXOSC9 are known to be pathogenic (PMID: 29727687, 33040083).

Literature cited by the submitters: PubMed 29727687; PubMed 33040083.

NM_005033.3(EXOSC9):c.1157-182del

Gene: EXOSC9 (exosome component 9; plus strand). Cytogenetic location: 4q27.
Variant type: Deletion.
Coding change: c.1157-182del on transcript NM_005033.3 (MANE Select); 182 bases into the intron before coding-DNA position 1157, one base deleted (G; older notation c.1157-182delG).
Molecular consequence: intron variant. On other transcripts: frameshift variant (1).
Genome position (GRCh38, 1-based): chr4:121,816,187, G deleted. VCF-style (leftmost placement, unchanged base first): chr4-121816186-TG-T. GRCh37 (hg19) VCF-style: chr4-122737341-TG-T.
Other names: c.1200del, p.Thr401fs (NM_001034194.2); short protein forms T401fs.
Identifiers: ClinVar variation 2123806 (VCV002123806.4), dbSNP rs1337899996, ClinGen allele CA554181255.
Genomic context (GRCh38, chr4:121,816,186, plus strand): 5'-TTCTATTATTTTTAATAGAGCTGGGGTTTCACCATGTTGGCCAGACTGGACTCGAGTTCC[TG>T]ACCTCAGGTAATCCACCTGCCTCAGCCTACCAAAATGTGGGTATTAAAAGTGTGAGCCAC-3'